The following is an entry in ClinVar:

NM_018426.3(TMEM63B):c.850C>T (p.Leu284Phe)

Gene: TMEM63B (transmembrane protein 63B; plus strand). Cytogenetic location: 6p21.1.
Variant type: single nucleotide variant.
Coding change: c.850C>T on transcript NM_018426.3 (MANE Select); coding-DNA position 850, C replaced by T.
Protein change: p.Leu284Phe; replaces leucine 284 with phenylalanine.
Molecular consequence: missense variant.
Genome position (GRCh38, 1-based): chr6:44,146,914, C>T. VCF-style: chr6-44146914-C-T. GRCh37 (hg19) VCF-style: chr6-44114651-C-T.
Other names: c.850C>T, p.Leu284Phe (NM_001318792.1); short protein forms L284F.
Identifiers: ClinVar variation 3602298 (VCV003602298.3).
Genomic context (GRCh38, chr6:44,146,914, plus strand): 5'-TACCCCAACTGCACAGTTCTCGAAGCCCGCCCGTGTTACAACGTGGCTCGCCTAATGTTC[C>T]TCGATGCAGAGAGGTAAGGGACTGGGGGCAGAGGAGGGTGACACCAAGGGCCCCCTGCCA-3'
Protein context (NP_060896.1, residues 274-294): PCYNVARLMF[Leu284Phe]DAERKKAERG

ClinVar aggregate classification (germline): Uncertain significance (1 of 4 stars; one submission).

Submission:

GeneDx
Classification: Uncertain significance. Last evaluated: 2026-09-24. Review status: criteria provided, single submitter. Criteria: GeneDx Variant Classification Process June 2021. Collection method: clinical testing. Allele origin: germline.
Comment: Not observed at significant frequency in large population cohorts (gnomAD); In silico analysis supports that this missense variant has a deleterious effect on protein structure/function; Has not been previously published as pathogenic or benign to our knowledge